The following is an entry in ClinVar:

NM_001035.3(RYR2):c.6109A>G (p.Thr2037Ala)

Gene: RYR2 (ryanodine receptor 2; plus strand). Cytogenetic location: 1q43.
Variant type: single nucleotide variant.
Coding change: c.6109A>G on transcript NM_001035.3 (MANE Select); coding-DNA position 6109, A replaced by G.
Protein change: p.Thr2037Ala; replaces threonine 2037 with alanine.
Molecular consequence: missense variant.
Genome position (GRCh38, 1-based): chr1:237,625,747, A>G. VCF-style: chr1-237625747-A-G. GRCh37 (hg19) VCF-style: chr1-237789047-A-G.
Other names: short protein forms T2037A.
Identifiers: ClinVar variation 919347 (VCV000919347.7), dbSNP rs1679577488, ClinGen allele CA345409070.

ClinVar aggregate classification (germline): Uncertain significance. Review status: criteria provided, multiple submitters, no conflicts (2 of 4 stars). 2 submissions from 2 submitters: Uncertain significance (2). Last evaluated 2024-02-24.

Conditions:
Cardiomyopathy (CMYO). Also called: Cardiomyopathies. Identifiers: Orphanet 167848, MedGen C0878544, MONDO:0004994, HP:0001638. Inheritance: Various modes of inheritance.
Catecholaminergic polymorphic ventricular tachycardia 1. Also called: VENTRICULAR TACHYCARDIA, CATECHOLAMINERGIC POLYMORPHIC, 1, WITH OR WITHOUT ATRIAL DYSFUNCTION AND/OR DILATED CARDIOMYOPATHY; RYR2-Related Catecholaminergic Polymorphic Ventricular Tachycardia; VENTRICULAR TACHYCARDIA, STRESS-INDUCED POLYMORPHIC 1. Identifiers: Orphanet 3286, MedGen C1631597, MONDO:0011484, OMIM 604772.

Allele frequency attached by ClinVar (database versions not stated): gnomAD exomes below 0.00001.
gnomAD v4.1: 1 of 1,613,838 alleles (0.000062%); highest among the groups gnomAD compares: Non-Finnish European, 0.000085%; no homozygotes.

Submissions (2):

Labcorp Genetics (formerly Invitae), Labcorp
Classification: Uncertain significance for Catecholaminergic polymorphic ventricular tachycardia 1. Last evaluated: 2024-02-24. Review status: criteria provided, single submitter. Criteria: Invitae Variant Classification Sherloc (09022015). Collection method: clinical testing. Allele origin: germline.
Comment: This sequence change replaces threonine, which is neutral and polar, with alanine, which is neutral and non-polar, at codon 2037 of the RYR2 protein (p.Thr2037Ala). This variant is not present in population databases (gnomAD no frequency). This variant has not been reported in the literature in individuals affected with RYR2-related conditions. ClinVar contains an entry for this variant (Variation ID: 919347). Advanced modeling of protein sequence and biophysical properties (such as structural, functional, and spatial information, amino acid conservation, physicochemical variation, residue mobility, and thermodynamic stability) performed at Invitae indicates that this missense variant is not expected to disrupt RYR2 protein function with a negative predictive value of 95%. In summary, the available evidence is currently insufficient to determine the role of this variant in disease. Therefore, it has been classified as a Variant of Uncertain Significance.

Color Diagnostics, LLC DBA Color Health
Classification: Uncertain significance for Cardiomyopathy. Last evaluated: 2023-12-05. Review status: criteria provided, single submitter. Criteria: ACMG Guidelines, 2015. Collection method: clinical testing. Allele origin: germline.
Comment: This missense variant replaces threonine with alanine at codon 2037 of the RYR2 protein. Computational prediction tools and conservation analyses are inconclusive regarding the impact of this variant on the protein function. Computational splicing tools suggest that this variant may not impact RNA splicing. To our knowledge, functional assays have not been performed for this variant nor has this variant been reported in individuals affected with cardiovascular disorders in the literature. This variant has not been identified in the general population by the Genome Aggregation Database (gnomAD). Available evidence is insufficient to determine the role of this variant in disease conclusively. Therefore, this variant is classified as a Variant of Uncertain Significance.